The following is an entry in ClinVar:

NM_004186.5(SEMA3F):c.1270A>G (p.Thr424Ala)

Gene: SEMA3F (semaphorin 3F; plus strand). Cytogenetic location: 3p21.31.
Variant type: single nucleotide variant.
Coding change: c.1270A>G on transcript NM_004186.5 (MANE Select); coding-DNA position 1270, A replaced by G.
Protein change: p.Thr424Ala; replaces threonine 424 with alanine.
Molecular consequence: missense variant.
Genome position (GRCh38, 1-based): chr3:50,184,628, A>G. VCF-style: chr3-50184628-A-G. GRCh37 (hg19) VCF-style: chr3-50222061-A-G.
Other names: c.973A>G, p.Thr325Ala (NM_001318798.2); c.1177A>G, p.Thr393Ala (NM_001318800.2); short protein forms T325A, T393A, T424A.
Identifiers: ClinVar variation 4991551 (VCV004991551.1).

ClinVar aggregate classification (germline): Uncertain significance (1 of 4 stars; one submission).

Conditions:
SEMA3F-related disorder. Also called: SEMA3F-related condition.

gnomAD v4.1: 2 of 1,614,042 alleles (0.00012%); highest among the groups gnomAD compares: Admixed American, 0.0033%; no homozygotes.

Submission:

PreventionGenetics, part of Exact Sciences
Classification: Uncertain significance for SEMA3F-related condition. Last evaluated: 2025-12-15. Review status: criteria provided, single submitter. Criteria: ACMG Guidelines, 2015. Collection method: clinical testing. Allele origin: germline.
Comment: The SEMA3F c.1270A>G variant is predicted to result in the amino acid substitution p.Thr424Ala. To our knowledge, this variant has not been reported in the literature. This variant is reported in 0.0058% of alleles in individuals of Latino descent in gnomAD. At this time, the clinical significance of this variant is uncertain due to the absence of conclusive functional and genetic evidence.